The following is an entry in ClinVar:

ClinVar aggregate classification (germline): Likely benign (1 of 4 stars; one submission).

Conditions:
DCLRE1C-related disorder. Also called: DCLRE1C-related condition.

gnomAD v4.1: 58 of 702,018 alleles (0.0083%); highest among the groups gnomAD compares: Admixed American, 0.03%; no homozygotes.

Submission:

PreventionGenetics, part of Exact Sciences
Classification: Likely benign for DCLRE1C-related condition. Last evaluated: 2026-06-05. Review status: criteria provided, single submitter. Criteria: ACMG Guidelines, 2015. Collection method: clinical testing. Allele origin: germline.
Comment: This variant is classified as likely benign based on ACMG/AMP sequence variant interpretation guidelines (Richards et al. 2015 PMID: 25741868, with internal and published modifications).

NC_000010.11:g.14899249G>T

Genes: DCLRE1C (DNA cross-link repair 1C; minus strand), SUV39H2 (SUV39H2 histone lysine methyltransferase; plus strand). Cytogenetic location: 10p13.
Variant type: single nucleotide variant.
Molecular consequence: intron variant (on NM_001193424.2). On other transcripts: 3 prime UTR variant (3), non-coding transcript variant (1).
Genome position: GRCh38 VCF-style: chr10-14899249-G-T. GRCh37 (hg19) VCF-style: chr10-14941248-G-T.
Other names: c.*1C>A (NM_001350965.2, NM_001350966.2, NM_001350967.2); c.670-290G>T (NM_024670.4, NM_001193425.2); c.130-290G>T (NM_001193427.2); c.850-290G>T (NM_001193424.2); c.310-290G>T (NM_001193426.2).
Identifiers: ClinVar variation 4981569 (VCV004981569.1).